The following is an entry in ClinVar:

NM_005188.4(CBL):c.383A>G (p.Gln128Arg)

Gene: CBL (Cbl proto-oncogene; plus strand). Cytogenetic location: 11q23.3.
Variant type: single nucleotide variant.
Coding change: c.383A>G on transcript NM_005188.4 (MANE Select); coding-DNA position 383, A replaced by G.
Protein change: p.Gln128Arg; replaces glutamine 128 with arginine.
Molecular consequence: missense variant.
Genome position (GRCh38, 1-based): chr11:119,232,635, A>G. VCF-style: chr11-119232635-A-G. GRCh37 (hg19) VCF-style: chr11-119103345-A-G.
Other names: short protein forms Q128R.
Identifiers: ClinVar variation 2818865 (VCV002818865.3), dbSNP rs1949512466, ClinGen allele CA382895580.

ClinVar aggregate classification (germline): Uncertain significance (1 of 4 stars; one submission).

Conditions:
RASopathy. Also called: Noonan spectrum disorder; rasopathies. Identifiers: Orphanet 536391, MedGen C5555857, MONDO:0021060.

Submission:

Labcorp Genetics (formerly Invitae), Labcorp
Classification: Uncertain significance for RASopathy. Last evaluated: 2022-12-06. Review status: criteria provided, single submitter. Criteria: Invitae Variant Classification Sherloc (09022015). Collection method: clinical testing. Allele origin: germline.
Comment: In summary, the available evidence is currently insufficient to determine the role of this variant in disease. Therefore, it has been classified as a Variant of Uncertain Significance. Advanced modeling of protein sequence and biophysical properties (such as structural, functional, and spatial information, amino acid conservation, physicochemical variation, residue mobility, and thermodynamic stability) performed at Invitae indicates that this missense variant is not expected to disrupt CBL protein function. This variant has not been reported in the literature in individuals affected with CBL-related conditions. This variant is not present in population databases (gnomAD no frequency). This sequence change replaces glutamine, which is neutral and polar, with arginine, which is basic and polar, at codon 128 of the CBL protein (p.Gln128Arg).